The following is an entry in ClinVar:

NM_182914.3(SYNE2):c.7214T>A (p.Ile2405Lys)

Gene: SYNE2 (spectrin repeat containing nuclear envelope protein 2; plus strand). Cytogenetic location: 14q23.2.
Variant type: single nucleotide variant.
Coding change: c.7214T>A on transcript NM_182914.3 (MANE Select); coding-DNA position 7214, T replaced by A.
Protein change: p.Ile2405Lys; replaces isoleucine 2405 with lysine.
Molecular consequence: missense variant.
Genome position (GRCh38, 1-based): chr14:64,031,350, T>A. VCF-style: chr14-64031350-T-A. GRCh37 (hg19) VCF-style: chr14-64498068-T-A.
Other names: c.7214T>A, p.Ile2405Lys (NM_015180.6); short protein forms I2405K.
Identifiers: ClinVar variation 1937992 (VCV001937992.9), dbSNP rs755367118, ClinGen allele CA7220859.

ClinVar aggregate classification (germline): Conflicting classifications of pathogenicity. Review status: criteria provided, conflicting classifications (1 of 4 stars). 3 submissions from 3 submitters: Uncertain significance (1); Likely benign (2). Last evaluated 2026-06-01.

Conditions:
Emery-Dreifuss muscular dystrophy 5, autosomal dominant (EDMD5). Also called: EMERY-DREIFUSS MUSCULAR DYSTROPHY 5. Identifiers: Orphanet 261, MedGen C2751805, MONDO:0013072, OMIM 612999.

Allele frequency attached by ClinVar (database versions not stated): gnomAD 0.00001; TOPMed 0.00002; gnomAD exomes 0.00004; ExAC 0.00012.
gnomAD v4.1: 26 of 1,613,740 alleles (0.0016%); highest among the groups gnomAD compares: Admixed American, 0.043%; no homozygotes.

Submissions (3):

CeGaT Center for Human Genetics Tuebingen
Classification: Likely benign. Last evaluated: 2026-06-01. Review status: criteria provided, single submitter. Criteria: CeGaT Center For Human Genetics Tuebingen Variant Classification Criteria Version 2. Collection method: clinical testing. Allele origin: germline. Affected: yes. Observed: 1 variant allele.
Comment: SYNE2: BP4

Ambry Genetics
Classification: Uncertain significance. Last evaluated: 2025-08-19. Review status: criteria provided, single submitter. Criteria: Ambry Variant Classification Scheme 2023. Collection method: clinical testing. Allele origin: germline.

Labcorp Genetics (formerly Invitae), Labcorp
Classification: Likely benign for Emery-Dreifuss muscular dystrophy 5, autosomal dominant. Last evaluated: 2024-11-03. Review status: criteria provided, single submitter. Criteria: Invitae Variant Classification Sherloc (09022015). Collection method: clinical testing. Allele origin: germline.